The following is an entry in ClinVar:

NM_000255.4(MMUT):c.662T>A (p.Ile221Lys)

Gene: MMUT (methylmalonyl-CoA mutase; minus strand). Cytogenetic location: 6p12.3.
Variant type: single nucleotide variant.
Coding change: c.662T>A on transcript NM_000255.4 (MANE Select); coding-DNA position 662, T replaced by A.
Protein change: p.Ile221Lys; replaces isoleucine 221 with lysine.
Molecular consequence: missense variant.
Genome position (GRCh38, 1-based): chr6:49,457,782, A>T on the plus strand (T>A on the coding strand, the complement: MMUT is on the minus strand). VCF-style: chr6-49457782-A-T. GRCh37 (hg19) VCF-style: chr6-49425495-A-T.
Other names: short protein forms I221K.
Identifiers: ClinVar variation 3339150 (VCV003339150.1).

ClinVar aggregate classification (germline): Uncertain significance (1 of 4 stars; one submission).

Submission:

Women's Health and Genetics/Laboratory Corporation of America, LabCorp
Classification: Uncertain significance. Last evaluated: 2024-07-03. Review status: criteria provided, single submitter. Criteria: LabCorp Variant Classification Summary - May 2015. Collection method: clinical testing. Allele origin: germline.
Comment: Variant summary: MUT c.662T>A (p.Ile221Lys) results in a non-conservative amino acid change located in the Methylmalonyl-CoA mutase, alpha chain, catalytic domain (IPR006098) of the encoded protein sequence. Five of five in-silico tools predict a damaging effect of the variant on protein function. The variant was absent in 250878 control chromosomes. The available data on variant occurrences in the general population are insufficient to allow any conclusion about variant significance. c.662T>A has been reported in the literature as a presumed compound heterozygous genotype in a cell line from at-least one in individual affected with Methylmalonic Acidemia (example, Forny_2023). These data do not allow any conclusion about variant significance. To our knowledge, no experimental evidence demonstrating an impact on protein function has been reported. The following publication has been ascertained in the context of this evaluation (PMID: 36717752). No submitters have cited clinical-significance assessments for this variant to ClinVar. Based on the evidence outlined above, the variant was classified as uncertain significance.

Literature cited by the submitters: PubMed 36717752.